The following is an entry in ClinVar:

NM_170606.3(KMT2C):c.11350A>G (p.Lys3784Glu)

Gene: KMT2C (lysine methyltransferase 2C; minus strand). Cytogenetic location: 7q36.1.
Variant type: single nucleotide variant.
Coding change: c.11350A>G on transcript NM_170606.3 (MANE Select); coding-DNA position 11350, A replaced by G.
Protein change: p.Lys3784Glu; replaces lysine 3784 with glutamic acid.
Molecular consequence: missense variant.
Genome position (GRCh38, 1-based): chr7:152,162,227, T>C on the plus strand (A>G on the coding strand, the complement: KMT2C is on the minus strand). VCF-style: chr7-152162227-T-C. GRCh37 (hg19) VCF-style: chr7-151859312-T-C.
Other names: short protein forms K3784E.
Identifiers: ClinVar variation 2682323 (VCV002682323.1), dbSNP rs2487684460, ClinGen allele CA370100888.
Genomic context (GRCh38, chr7:152,162,227, plus strand): 5'-AGTCATCTTCTGAACAAATACTGCCCTCAGGTTTTTGATTCAAAAGAGAAGATGACTTTT[T>C]ATTTTTCAACAAGTGTTTCAGAAGTTCATTCCCTGAGTCTCCTTTGGCAGCAGGGGCCCC-3'
Protein context (NP_733751.2, residues 3774-3794): NELLKHLLKN[Lys3784Glu]KSSSLLNQKP

ClinVar aggregate classification (germline): Uncertain significance (1 of 4 stars; one submission).

Submission:

Women's Health and Genetics/Laboratory Corporation of America, LabCorp
Classification: Uncertain significance. Last evaluated: 2023-11-03. Review status: criteria provided, single submitter. Criteria: LabCorp Variant Classification Summary - May 2015. Collection method: clinical testing. Allele origin: germline.
Comment: Variant summary: KMT2C c.11350A>G (p.Lys3784Glu) results in a conservative amino acid change in the encoded protein sequence. Three of five in-silico tools predict a damaging effect of the variant on protein function. The variant was absent in 250930 control chromosomes (gnomAD). The available data on variant occurrences in the general population are insufficient to allow any conclusion about variant significance. To our knowledge, no occurrence of c.11350A>G in individuals affected with Kleefstra Syndrome 2 and no experimental evidence demonstrating its impact on protein function have been reported. No submitters have reported clinical-significance assessments for this variant to ClinVar after 2014. Based on the evidence outlined above, the variant was classified as uncertain significance.